The following is an entry in ClinVar:

ClinVar aggregate classification (germline): Pathogenic/Likely pathogenic. Review status: criteria provided, multiple submitters, no conflicts (2 of 4 stars). 4 submissions from 4 submitters: Pathogenic (2); Likely pathogenic (2). Last evaluated 2024-05-30.

Conditions:
Polycystic kidney disease 4 (PKD4). Also called: POLYCYSTIC KIDNEY DISEASE 4 WITH OR WITHOUT POLYCYSTIC LIVER DISEASE; POLYCYSTIC KIDNEY AND HEPATIC DISEASE 1; POLYCYSTIC KIDNEY DISEASE, INFANTILE, TYPE I; PKD3; Autosomal Recessive Polycystic Kidney Disease – PKHD1. Identifiers: MedGen C4540575, MONDO:0033004, OMIM 263200.
Autosomal recessive polycystic kidney disease (ARPKD). Also called: AR polycystic kidney disease. Identifiers: Orphanet 731, Orphanet 8378, MedGen C0085548, MeSH D017044, MONDO:0009889.

Submissions (4):

Natera, Inc.
Classification: Likely pathogenic for Autosomal recessive polycystic kidney disease. Last evaluated: 2024-05-30. Review status: criteria provided, single submitter. Criteria: Natera Variant Classification Schema (03/2026). Collection method: clinical testing. Allele origin: germline.
Comment: The c.2107G>A variant in PKHD1 is a missense variant predicted to cause substitution of aspartic acid to asparagine at amino acid 703. This variant is rare in the general population with a frequency below the threshold expected for the associated phenotype(s). This variant has been observed in one or more individuals affected with the associated recessive disease, as either homozygous or compound heterozygous with a second variant (PMID: 34327338, 35065907). Computational prediction algorithms indicate this variant is likely to affect gene or protein function. Given the available evidence, this variant is classified as Likely Pathogenic.

GeneDx
Classification: Likely pathogenic. Last evaluated: 2024-05-16. Review status: criteria provided, single submitter. Criteria: GeneDx Variant Classification Process June 2021. Collection method: clinical testing. Allele origin: germline. Affected: yes.
Comment: Not observed at significant frequency in large population cohorts (gnomAD); In silico analysis supports that this missense variant has a deleterious effect on protein structure/function; This variant is associated with the following publications: (PMID: 12506140, 35065907, 34327338)

Baylor Genetics
Classification: Pathogenic for Polycystic kidney disease 4. Last evaluated: 2024-03-07. Review status: criteria provided, single submitter. Criteria: ACMG Guidelines, 2015. Collection method: clinical testing. Allele origin: unknown.

Labcorp Genetics (formerly Invitae), Labcorp
Classification: Pathogenic for Autosomal recessive polycystic kidney disease. Last evaluated: 2022-09-14. Review status: criteria provided, single submitter. Criteria: Invitae Variant Classification Sherloc (09022015). Collection method: clinical testing. Allele origin: germline.
Comment: For these reasons, this variant has been classified as Pathogenic. Advanced modeling of protein sequence and biophysical properties (such as structural, functional, and spatial information, amino acid conservation, physicochemical variation, residue mobility, and thermodynamic stability) performed at Invitae indicates that this missense variant is expected to disrupt PKHD1 protein function. ClinVar contains an entry for this variant (Variation ID: 1458985). This missense change has been observed in individual(s) with polycystic kidney disease (PMID: 12506140). This variant is not present in population databases (gnomAD no frequency). This sequence change replaces aspartic acid, which is acidic and polar, with asparagine, which is neutral and polar, at codon 703 of the PKHD1 protein (p.Asp703Asn).

Literature cited by the submitters: PubMed 34327338 (cited by Natera, Inc.); PubMed 35065907 (cited by Natera, Inc.); PubMed 12506140 (cited by Labcorp Genetics (formerly Invitae), Labcorp).

NM_138694.4(PKHD1):c.2107G>A (p.Asp703Asn)

Gene: PKHD1 (PKHD1 ciliary IPT domain containing fibrocystin/polyductin; minus strand). Cytogenetic location: 6p12.2.
Variant type: single nucleotide variant.
Coding change: c.2107G>A on transcript NM_138694.4 (MANE Select); coding-DNA position 2107, G replaced by A.
Protein change: p.Asp703Asn; replaces aspartic acid 703 with asparagine.
Molecular consequence: missense variant.
Genome position (GRCh38, 1-based): chr6:52,053,109, C>T on the plus strand (G>A on the coding strand, the complement: PKHD1 is on the minus strand). VCF-style: chr6-52053109-C-T. GRCh37 (hg19) VCF-style: chr6-51917907-C-T.
Other names: c.2107G>A, p.Asp703Asn (NM_170724.3); c.2107G>A (NM_138694.3); short protein forms D703N.
Identifiers: ClinVar variation 1458985 (VCV001458985.9), dbSNP rs2128203385, ClinGen allele CA364444066.